The following is an entry in ClinVar:

ClinVar aggregate classification (germline): Uncertain significance (1 of 4 stars; one submission).

Submission:

Labcorp Genetics (formerly Invitae), Labcorp
Classification: Uncertain significance. Last evaluated: 2024-10-24. Review status: criteria provided, single submitter. Criteria: Invitae Variant Classification Sherloc (09022015). Collection method: clinical testing. Allele origin: germline.
Comment: This sequence change replaces proline, which is neutral and non-polar, with alanine, which is neutral and non-polar, at codon 1718 of the POLR1A protein (p.Pro1718Ala). This variant is not present in population databases (gnomAD no frequency). This variant has not been reported in the literature in individuals affected with POLR1A-related conditions. ClinVar contains an entry for this variant (Variation ID: 2062766). An algorithm developed to predict the effect of missense changes on protein structure and function (PolyPhen-2) suggests that this variant is likely to be disruptive. In summary, the available evidence is currently insufficient to determine the role of this variant in disease. Therefore, it has been classified as a Variant of Uncertain Significance.

NM_015425.6(POLR1A):c.5152C>G (p.Pro1718Ala)

Gene: POLR1A (RNA polymerase I subunit A; minus strand). Cytogenetic location: 2p11.2.
Variant type: single nucleotide variant.
Coding change: c.5152C>G on transcript NM_015425.6 (MANE Select); coding-DNA position 5152, C replaced by G.
Protein change: p.Pro1718Ala; replaces proline 1718 with alanine.
Molecular consequence: missense variant.
Genome position (GRCh38, 1-based): chr2:86,027,434, G>C on the plus strand (C>G on the coding strand, the complement: POLR1A is on the minus strand). VCF-style: chr2-86027434-G-C. GRCh37 (hg19) VCF-style: chr2-86254557-G-C.
Other names: short protein forms P1718A.
Identifiers: ClinVar variation 2062766 (VCV002062766.4), dbSNP rs2466292500, ClinGen allele CA347542953.
Genomic context (GRCh38, chr2:86,027,434, plus strand): 5'-GCCCTCACCAAGGGTCCTTGGAGCTGGGCAGATGGTGCCGGGGTAGCTGCTATCTCAGAG[G>C]CTGCTTGAGCTCGAACAGGCCTGTCCCGCCCCTGACGACCTTCCCGACCACAAGGCAGGC-3'
Protein context (NP_056240.2, residues 1708-1720): GGTGLFELKQ[Pro1718Ala]LR